The following is an entry in ClinVar:

ClinVar aggregate classification (germline): Uncertain significance (1 of 4 stars; one submission).

Conditions:
Majeed syndrome (MJDS). Also called: LPIN2-Related Majeed Syndrome; CHRONIC RECURRENT MULTIFOCAL OSTEOMYELITIS 1, WITH CONGENITAL DYSERYTHROPOIETIC ANEMIA, WITH OR WITHOUT NEUTROPHILIC DERMATOSIS. Identifiers: Orphanet 77297, MedGen C1864997, MONDO:0012316, OMIM 609628.

Allele frequency attached by ClinVar (database versions not stated): gnomAD exomes below 0.00001; TOPMed below 0.00001.

Submission:

Labcorp Genetics (formerly Invitae), Labcorp
Classification: Uncertain significance for Majeed syndrome. Last evaluated: 2021-11-01. Review status: criteria provided, single submitter. Criteria: Invitae Variant Classification Sherloc (09022015). Collection method: clinical testing. Allele origin: germline.
Comment: In summary, the available evidence is currently insufficient to determine the role of this variant in disease. Therefore, it has been classified as a Variant of Uncertain Significance. Algorithms developed to predict the effect of missense changes on protein structure and function output the following: SIFT: "Tolerated"; PolyPhen-2: "Benign"; Align-GVGD: "Class C0". The proline amino acid residue is found in multiple mammalian species, which suggests that this missense change does not adversely affect protein function. ClinVar contains an entry for this variant (Variation ID: 574978). This variant has not been reported in the literature in individuals affected with LPIN2-related conditions. This variant is not present in population databases (gnomAD no frequency). This sequence change replaces alanine, which is neutral and non-polar, with proline, which is neutral and non-polar, at codon 175 of the LPIN2 protein (p.Ala175Pro).

NM_001375808.2(LPIN2):c.523G>C (p.Ala175Pro)

Gene: LPIN2 (lipin 2; minus strand). Cytogenetic location: 18p11.31.
Variant type: single nucleotide variant.
Coding change: c.523G>C on transcript NM_001375808.2 (MANE Select); coding-DNA position 523, G replaced by C.
Protein change: p.Ala175Pro; replaces alanine 175 with proline.
Molecular consequence: missense variant.
Genome position (GRCh38, 1-based): chr18:2,951,122, C>G on the plus strand (G>C on the coding strand, the complement: LPIN2 is on the minus strand). VCF-style: chr18-2951122-C-G. GRCh37 (hg19) VCF-style: chr18-2951120-C-G.
Other names: c.523G>C, p.Ala175Pro (NM_001375809.1, NM_014646.2); short protein forms A175P.
Identifiers: ClinVar variation 574978 (VCV000574978.6), dbSNP rs1334969199, ClinGen allele CA401708882.